The following is an entry in ClinVar:

ClinVar aggregate classification (germline): Uncertain significance (1 of 4 stars; one submission).

Submission:

Dasa
Classification: Uncertain significance. Last evaluated: 2024-12-13. Review status: criteria provided, single submitter. Criteria: DASA Assertion Criteria. Collection method: clinical testing. Allele origin: germline.
Comment: NM_014905.5(GLS):c.143C>T (p.Pro48Leu) is a missense variant that results in the substitution of proline with leucine. This variant is rare in population databases. Computational prediction algorithms are consistent with a benign effect. The currently available literature and clinical evidence are not sufficient to establish a definitive association between this variant and the reported condition. Therefore, this variant is classified as a variant of uncertain significance.

NM_014905.5(GLS):c.143C>T (p.Pro48Leu)

Genes: GLS (glutaminase; plus strand), LOC129935269 (ATAC-STARR-seq lymphoblastoid silent region 12187; plus strand). Cytogenetic location: 2q32.2.
Variant type: single nucleotide variant.
Coding change: c.143C>T on transcript NM_014905.5 (MANE Select); coding-DNA position 143, C replaced by T.
Protein change: p.Pro48Leu; replaces proline 48 with leucine.
Molecular consequence: missense variant.
Genome position (GRCh38, 1-based): chr2:190,881,227, C>T. VCF-style: chr2-190881227-C-T. GRCh37 (hg19) VCF-style: chr2-191745953-C-T.
Other names: c.143C>T, p.Pro48Leu (NM_001256310.2, NM_001437282.1, NM_001437283.1); short protein forms P48L.
Identifiers: ClinVar variation 4881962 (VCV004881962.2).